The following is an entry in ClinVar:

ClinVar aggregate classification (germline): Uncertain significance (1 of 4 stars; one submission).

Conditions:
Early-onset Parkinson disease 20. Also called: PARKINSON DISEASE 20, AUTOSOMAL RECESSIVE EARLY-ONSET. Identifiers: Orphanet 391411, MedGen C3809824, MONDO:0014233, OMIM 615530.
Developmental and epileptic encephalopathy, 53. Also called: Epileptic encephalopathy, early infantile, 53. Identifiers: MedGen C4479313, MONDO:0033362, OMIM 617389.

Allele frequency attached by ClinVar (database versions not stated): gnomAD exomes below 0.00001; TOPMed below 0.00001; gnomAD 0.00004.
gnomAD v4.1: 7 of 1,613,278 alleles (0.00043%); highest among the groups gnomAD compares: Admixed American, 0.012%; no homozygotes.

Submission:

Labcorp Genetics (formerly Invitae), Labcorp
Classification: Uncertain significance for Developmental and epileptic encephalopathy, 53; Early-onset Parkinson disease 20. Last evaluated: 2022-07-19. Review status: criteria provided, single submitter. Criteria: Invitae Variant Classification Sherloc (09022015). Collection method: clinical testing. Allele origin: germline.
Comment: This sequence change replaces alanine, which is neutral and non-polar, with valine, which is neutral and non-polar, at codon 320 of the SYNJ1 protein (p.Ala320Val). This variant is not present in population databases (gnomAD no frequency). This variant has not been reported in the literature in individuals affected with SYNJ1-related conditions. ClinVar contains an entry for this variant (Variation ID: 1002258). Algorithms developed to predict the effect of missense changes on protein structure and function (SIFT, PolyPhen-2, Align-GVGD) all suggest that this variant is likely to be disruptive. In summary, the available evidence is currently insufficient to determine the role of this variant in disease. Therefore, it has been classified as a Variant of Uncertain Significance.

NM_203446.3(SYNJ1):c.842C>T (p.Ala281Val)

Gene: SYNJ1 (synaptojanin 1; minus strand). Cytogenetic location: 21q22.11.
Variant type: single nucleotide variant.
Coding change: c.842C>T on transcript NM_203446.3 (MANE Select); coding-DNA position 842, C replaced by T.
Protein change: p.Ala281Val; replaces alanine 281 with valine.
Molecular consequence: missense variant.
Genome position (GRCh38, 1-based): chr21:32,688,315, G>A on the plus strand (C>T on the coding strand, the complement: SYNJ1 is on the minus strand). VCF-style: chr21-32688315-G-A. GRCh37 (hg19) VCF-style: chr21-34060625-G-A.
Other names: c.842C>T, p.Ala281Val (NM_001160302.2, NM_001160306.2); c.959C>T, p.Ala320Val (NM_003895.4); short protein forms A281V, A320V.
Identifiers: ClinVar variation 1002258 (VCV001002258.6), dbSNP rs1046699971, ClinGen allele CA319449246.